The following is an entry in ClinVar:

NM_000785.4(CYP27B1):c.167G>A (p.Gly56Glu)

Gene: CYP27B1 (cytochrome P450 family 27 subfamily B member 1; minus strand). Cytogenetic location: 12q14.1.
Variant type: single nucleotide variant.
Coding change: c.167G>A on transcript NM_000785.4 (MANE Select); coding-DNA position 167, G replaced by A.
Protein change: p.Gly56Glu; replaces glycine 56 with glutamic acid.
Molecular consequence: missense variant.
Genome position (GRCh38, 1-based): chr12:57,766,875, C>T on the plus strand (G>A on the coding strand, the complement: CYP27B1 is on the minus strand). VCF-style: chr12-57766875-C-T. GRCh37 (hg19) VCF-style: chr12-58160658-C-T.
Other names: short protein forms G56E.
Identifiers: ClinVar variation 2421643 (VCV002421643.4), dbSNP rs769363080, ClinGen allele CA385509780.

ClinVar aggregate classification (germline): Uncertain significance. Review status: criteria provided, multiple submitters, no conflicts (2 of 4 stars). 2 submissions from 2 submitters: Uncertain significance (2). Last evaluated 2024-03-11.

Conditions:
Vitamin D-dependent rickets, type 1A. Also called: VITAMIN D HYDROXYLATION-DEFICIENT RICKETS, TYPE 1A; PDDR IA; PSEUDOVITAMIN D-DEFICIENCY RICKETS, TYPE IA. Identifiers: MedGen CN283242, MONDO:0020723, OMIM 264700.

gnomAD v4.1: 27 of 1,614,246 alleles (0.0017%); highest among the groups gnomAD compares: Non-Finnish European, 0.0023%; no homozygotes.

Submissions (2):

Fulgent Genetics
Classification: Uncertain significance for Vitamin D-dependent rickets, type 1A. Last evaluated: 2024-03-11. Review status: criteria provided, single submitter. Criteria: ACMG Guidelines, 2015. Collection method: clinical testing. Allele origin: germline.

Labcorp Genetics (formerly Invitae), Labcorp
Classification: Uncertain significance. Last evaluated: 2022-10-15. Review status: criteria provided, single submitter. Criteria: Invitae Variant Classification Sherloc (09022015). Collection method: clinical testing. Allele origin: germline.
Comment: This sequence change replaces glycine, which is neutral and non-polar, with glutamic acid, which is acidic and polar, at codon 56 of the CYP27B1 protein (p.Gly56Glu). This variant is not present in population databases (gnomAD no frequency). This variant has not been reported in the literature in individuals affected with CYP27B1-related conditions. Advanced modeling of protein sequence and biophysical properties (such as structural, functional, and spatial information, amino acid conservation, physicochemical variation, residue mobility, and thermodynamic stability) performed at Invitae indicates that this missense variant is not expected to disrupt CYP27B1 protein function. In summary, the available evidence is currently insufficient to determine the role of this variant in disease. Therefore, it has been classified as a Variant of Uncertain Significance.